The following is an entry in ClinVar:

NM_032578.4(MYPN):c.519T>G (p.Ile173Met)

Gene: MYPN (myopalladin; plus strand). Cytogenetic location: 10q21.3.
Variant type: single nucleotide variant.
Coding change: c.519T>G on transcript NM_032578.4 (MANE Select); coding-DNA position 519, T replaced by G.
Protein change: p.Ile173Met; replaces isoleucine 173 with methionine.
Molecular consequence: missense variant. On other transcripts: 5 prime UTR variant (1), non-coding transcript variant (1).
Genome position (GRCh38, 1-based): chr10:68,121,957, T>G. VCF-style: chr10-68121957-T-G. GRCh37 (hg19) VCF-style: chr10-69881714-T-G.
Other names: c.519T>G (NM_032578.3, NM_032578.2); c.519T>G, p.Ile173Met (NM_001256267.2); c.-604T>G (NM_001256268.2); short protein forms I173M.
Identifiers: ClinVar variation 1051476 (VCV001051476.11), dbSNP rs769771296, ClinGen allele CA5522285.
Genomic context (GRCh38, chr10:68,121,957, plus strand): 5'-GGCTGCCGACTTCATTGAAGAGCTATCCTCCCTTTTCAAATCCCACAGCTCCAAAAGGAT[T>G]AGACCTCGTGCCTGCAAAAACCACAAGAGTAAACTGGAATCTCAAAACAAAGTTATGCAG-3'
Protein context (NP_115967.2, residues 163-183): SLFKSHSSKR[Ile173Met]RPRACKNHKS

ClinVar aggregate classification (germline): Uncertain significance. Review status: criteria provided, multiple submitters, no conflicts (2 of 4 stars). 3 submissions from 3 submitters: Uncertain significance (3). Last evaluated 2023-03-22.

Conditions:
Dilated cardiomyopathy 1KK (CMD1KK). Identifiers: Orphanet 154, Orphanet 75249, MedGen C3714995, MONDO:0014100, OMIM 615248.
Cardiovascular phenotype. Identifiers: MedGen CN230736.

Allele frequency attached by ClinVar (database versions not stated): gnomAD exomes 0.00001 and 0.00003; ExAC 0.00006.
gnomAD v4.1: 9 of 1,614,188 alleles (0.00056%); highest among the groups gnomAD compares: Non-Finnish European, 0.00068%; no homozygotes.

Submissions (3):

Ambry Genetics
Classification: Uncertain significance for Cardiovascular phenotype. Last evaluated: 2023-03-22. Review status: criteria provided, single submitter. Criteria: Ambry Variant Classification Scheme 2023. Collection method: clinical testing. Allele origin: germline.

Clinical Genetics Laboratory, Skane University Hospital Lund
Classification: Uncertain significance. Last evaluated: 2022-05-27. Review status: criteria provided, single submitter. Criteria: ACMG Guidelines, 2015. Collection method: clinical testing. Allele origin: germline. Affected: yes.

Labcorp Genetics (formerly Invitae), Labcorp
Classification: Uncertain significance for Dilated cardiomyopathy 1KK. Last evaluated: 2020-03-03. Review status: criteria provided, single submitter. Criteria: Invitae Variant Classification Sherloc (09022015). Collection method: clinical testing. Allele origin: germline.
Comment: This variant has not been reported in the literature in individuals with MYPN-related conditions. This variant is present in population databases (rs769771296, ExAC 0.01%). This sequence change replaces isoleucine with methionine at codon 173 of the MYPN protein (p.Ile173Met). The isoleucine residue is moderately conserved and there is a small physicochemical difference between isoleucine and methionine. Algorithms developed to predict the effect of missense changes on protein structure and function are either unavailable or do not agree on the potential impact of this missense change (SIFT: "Deleterious"; PolyPhen-2: "Probably Damaging"; Align-GVGD: "Class C0"). In summary, the available evidence is currently insufficient to determine the role of this variant in disease. Therefore, it has been classified as a Variant of Uncertain Significance.